The following is an entry in ClinVar:

ClinVar aggregate classification (germline): Uncertain significance (1 of 4 stars; one submission).

gnomAD v4.1: 2 of 1,614,102 alleles (0.00012%); highest among the groups gnomAD compares: East Asian, 0.0022%; no homozygotes.

Submission:

Labcorp Genetics (formerly Invitae), Labcorp
Classification: Uncertain significance. Last evaluated: 2020-12-19. Review status: criteria provided, single submitter. Criteria: Invitae Variant Classification Sherloc (09022015). Collection method: clinical testing. Allele origin: germline.
Comment: This variant has not been reported in the literature in individuals with IFT43-related conditions. This sequence change replaces glutamic acid with valine at codon 9 of the IFT43 protein (p.Glu9Val). The glutamic acid residue is moderately conserved and there is a moderate physicochemical difference between glutamic acid and valine. This variant is not present in population databases (ExAC no frequency). Algorithms developed to predict the effect of missense changes on protein structure and function are either unavailable or do not agree on the potential impact of this missense change (SIFT: "Deleterious"; PolyPhen-2: "Not Available"; Align-GVGD: "Class C0"). In summary, the available evidence is currently insufficient to determine the role of this variant in disease. Therefore, it has been classified as a Variant of Uncertain Significance.

NM_001102564.3(IFT43):c.26A>T (p.Glu9Val)

Gene: IFT43 (intraflagellar transport 43; plus strand). Cytogenetic location: 14q24.3.
Variant type: single nucleotide variant.
Coding change: c.26A>T on transcript NM_001102564.3 (MANE Select); coding-DNA position 26, A replaced by T.
Protein change: p.Glu9Val; replaces glutamic acid 9 with valine.
Molecular consequence: missense variant. On other transcripts: non-coding transcript variant (2).
Genome position (GRCh38, 1-based): chr14:75,985,812, A>T. VCF-style: chr14-75985812-A-T. GRCh37 (hg19) VCF-style: chr14-76452155-A-T.
Other names: c.26A>T, p.Glu9Val (NM_001255995.3, NM_052873.3); short protein forms E9V.
Identifiers: ClinVar variation 1371648 (VCV001371648.7), dbSNP rs766994728, ClinGen allele CA390472833.